The following is an entry in ClinVar:

ClinVar aggregate classification (germline): Uncertain significance. Review status: criteria provided, multiple submitters, no conflicts (2 of 4 stars). 2 submissions from 2 submitters: Uncertain significance (2). Last evaluated 2025-07-28.

Conditions:
Inborn genetic diseases. Identifiers: MedGen C0950123, MeSH D030342.

Allele frequency attached by ClinVar (database versions not stated): TOPMed 0.00002; ExAC 0.00002; gnomAD exomes 0.00003.
gnomAD v4.1: 40 of 1,609,704 alleles (0.0025%); highest among the groups gnomAD compares: Non-Finnish European, 0.003%; no homozygotes.

Submissions (2):

Labcorp Genetics (formerly Invitae), Labcorp
Classification: Uncertain significance. Last evaluated: 2025-07-28. Review status: criteria provided, single submitter. Criteria: Invitae Variant Classification Sherloc (09022015). Collection method: clinical testing. Allele origin: germline.
Comment: This sequence change replaces arginine, which is basic and polar, with isoleucine, which is neutral and non-polar, at codon 77 of the ASCC1 protein (p.Arg77Ile). This variant is present in population databases (rs777171569, gnomAD 0.004%). This variant has not been reported in the literature in individuals affected with ASCC1-related conditions. ClinVar contains an entry for this variant (Variation ID: 2980595). Invitae Evidence Modeling of protein sequence and biophysical properties (such as structural, functional, and spatial information, amino acid conservation, physicochemical variation, residue mobility, and thermodynamic stability) indicates that this missense variant is not expected to disrupt ASCC1 protein function with a negative predictive value of 80%. In summary, the available evidence is currently insufficient to determine the role of this variant in disease. Therefore, it has been classified as a Variant of Uncertain Significance.

Ambry Genetics
Classification: Uncertain significance for Inborn genetic diseases. Last evaluated: 2021-07-20. Review status: criteria provided, single submitter. Criteria: Ambry Variant Classification Scheme 2023. Collection method: clinical testing. Allele origin: germline.

NM_001198800.3(ASCC1):c.230G>T (p.Arg77Ile)

Gene: ASCC1 (activating signal cointegrator 1 complex subunit 1; minus strand). Cytogenetic location: 10q22.1.
Variant type: single nucleotide variant.
Coding change: c.230G>T on transcript NM_001198800.3 (MANE Select); coding-DNA position 230, G replaced by T.
Protein change: p.Arg77Ile; replaces arginine 77 with isoleucine.
Molecular consequence: missense variant. On other transcripts: non-coding transcript variant (1).
Genome position (GRCh38, 1-based): chr10:72,203,507, C>A on the plus strand (G>T on the coding strand, the complement: ASCC1 is on the minus strand). VCF-style: chr10-72203507-C-A. GRCh37 (hg19) VCF-style: chr10-73963265-C-A.
Other names: c.230G>T, p.Arg77Ile (NM_001198798.2, NM_001369087.1, NM_001369088.1 and 18 more transcripts); c.314G>T, p.Arg105Ile (NM_001198799.3); c.296G>T, p.Arg99Ile (NM_001369085.1, NM_001369086.1, NM_001369099.1); c.113G>T, p.Arg38Ile (NM_001369101.1, NM_001369102.1, NM_001369105.1 and 2 more transcripts); c.230G>T (NM_001198800.1); short protein forms R105I, R38I, R99I, R77I.
Identifiers: ClinVar variation 2980595 (VCV002980595.4), dbSNP rs777171569, ClinGen allele CA5549082.